The following is an entry in ClinVar:

NC_000016.10:g.(89765067_89767140)_(89803342_89805279)del

Gene: FANCA (FA complementation group A; minus strand). Cytogenetic location: 16q24.3.
Variant type: Deletion.
Identifiers: ClinVar variation 973993 (VCV000973993.1).

ClinVar aggregate classification (germline): Pathogenic (0 of 4 stars; one submission).

Conditions:
Fanconi anemia complementation group A (FANCA). Also called: Fanconi anemia, group A; FANCA-Related Fanconi Anemia. Identifiers: Orphanet 84, MedGen C3469521, MONDO:0009215, OMIM 227650.

Submission:

Leiden Open Variation Database
Classification: Pathogenic for Fanconi anemia complementation group A. Last evaluated: 2020-02-28. Review status: no assertion criteria provided. Collection method: curation. Allele origin: germline. Affected: yes.
Comment: Curator: Arleen D. Auerbach. Submitter to LOVD: Arleen D. Auerbach.